The following is an entry in ClinVar:

NM_144682.5(SLFN13):c.2109_*83579del

Genes: SLFN11 (schlafen family member 11; minus strand), SLFN12 (schlafen family member 12; minus strand), SLFN13 (schlafen family member 13; minus strand), LOC105371933 (uncharacterized LOC105371933; plus strand), LOC126862540 (CDK7 strongly-dependent group 2 enhancer GRCh37_chr17:33759523-33760722; plus strand) and 8 more. Cytogenetic location: 17q12.
Variant type: Deletion.
Coding change: c.2109_*83579del on transcript NM_144682.5; coding-DNA position 2109 through 83579 bases downstream of the stop codon, this stretch deleted.
Identifiers: ClinVar variation 157380 (VCV000157380.2).

ClinVar aggregate classification (germline): not provided. Review status: no classification provided (0 of 4 stars). 3 submissions from 1 submitter: not provided (3).

Conditions:
Preeclampsia. Identifiers: Orphanet 275555, MedGen C0032914, MONDO:0005081, HP:0100602.
Normal pregnancy. Identifiers: MedGen C0232989.
Large for gestational age. Identifiers: MedGen C1848395, HP:0001520.

Submissions (3):

Institute of Molecular and Cell Biology, University of Tartu
No classification provided. Condition: Large for gestational age. Review status: no classification provided. Collection method: case-control. Allele origin: unknown. Affected: yes. Study: Kasak2014.
Comment: The study aimed to determine the contribution of copy number variants in the genetic etiology of normal and complicated pregnancies. The samples represented (i) maternal blood DNA drawn from healthy pregnant women during 1st or 2nd trimester and (ii) maternal and paternal blood DNA drawn at term pregnancy cases representing normal and complicated gestations (severe preeclampsia, PE; gestational diabetes, GD; small-for-gestational age newborn, SGA; large-for-gestational age newborn, LGA). We performed CNV calling based on genome-wide genotyping dataset (Illumina HumanOmniExpress-24-v1 BeadChip) by applying three algorithms, QuantiSNP, GADA (Genome Alteration Detection Algorithm) and CNstream in parallel. The acquired CNV calls were merged with HD-CNV (Hotspot Detector for Copy Number Variants) program and only the CNVs predicted by at least two programs, were considered in subsequent analysis.

Institute of Molecular and Cell Biology, University of Tartu
No classification provided. Condition: Preeclampsia. Review status: no classification provided. Collection method: case-control. Allele origin: unknown. Affected: yes. Study: Kasak2014.
Comment: the same text as in the submission from Institute of Molecular and Cell Biology, University of Tartu above.

Institute of Molecular and Cell Biology, University of Tartu
No classification provided. Condition: Normal pregnancy. Review status: no classification provided. Collection method: case-control. Allele origin: unknown. Affected: yes. Study: Kasak2014.
Comment: the same text as in the submission from Institute of Molecular and Cell Biology, University of Tartu above.

Literature cited by the submitters: PubMed 25666259.